The following is an entry in ClinVar:

ClinVar aggregate classification (germline): Uncertain significance (0 of 4 stars; one submission).

Conditions:
PCSK1-related disorder. Also called: PCSK1-related condition.

Submission:

PreventionGenetics, part of Exact Sciences
Classification: Uncertain significance for PCSK1-related condition. Last evaluated: 2024-06-10. Review status: no assertion criteria provided. Collection method: clinical testing. Allele origin: germline.
Comment: The PCSK1 c.2178T>G variant is predicted to result in the amino acid substitution p.Asp726Glu. To our knowledge, this variant has not been reported in a large population database, indicating this variant is rare. In vitro functional studies showed this variant did not reduce protein function and could cause increased function (Supplemental Data Set 3, Shah et al. 2023. PubMed ID: 36864747). At this time, the clinical significance of this variant is uncertain due to the absence of conclusive functional and genetic evidence.

NM_000439.5(PCSK1):c.2178T>G (p.Asp726Glu)

Genes: CAST (calpastatin; plus strand), PCSK1 (proprotein convertase subtilisin/kexin type 1; minus strand), LOC101929710 (uncharacterized LOC101929710; plus strand). Cytogenetic location: 5q15.
Variant type: single nucleotide variant.
Coding change: c.2178T>G on transcript NM_000439.5 (MANE Select); coding-DNA position 2178, T replaced by G.
Protein change: p.Asp726Glu; replaces aspartic acid 726 with glutamic acid.
Molecular consequence: missense variant. On other transcripts: intron variant (11).
Genome position (GRCh38, 1-based): chr5:96,393,085, A>C on the plus strand (T>G on the coding strand, the complement: PCSK1 is on the minus strand). VCF-style: chr5-96393085-A-C. GRCh37 (hg19) VCF-style: chr5-95728789-A-C.
Other names: c.-175+13433A>C (NM_001423251.1, NM_001423256.1, NM_001423252.1 and 6 more transcripts); c.-40+13433A>C (NM_001423258.1); c.2037T>G, p.Asp679Glu (NM_001177875.2); c.-103+13433A>C (NM_001423253.1); short protein forms D679E, D726E.
Identifiers: ClinVar variation 3344869 (VCV003344869.1).